The following is an entry in ClinVar:

NM_002295.6(RPSA):c.233C>A (p.Ser78Tyr)

Gene: RPSA (ribosomal protein SA; plus strand). Cytogenetic location: 3p22.1.
Variant type: single nucleotide variant.
Coding change: c.233C>A on transcript NM_002295.6 (MANE Select); coding-DNA position 233, C replaced by A.
Protein change: p.Ser78Tyr; replaces serine 78 with tyrosine.
Molecular consequence: missense variant.
Genome position (GRCh38, 1-based): chr3:39,408,705, C>A. VCF-style: chr3-39408705-C-A. GRCh37 (hg19) VCF-style: chr3-39450196-C-A.
Other names: c.233C>A, p.Ser78Tyr (NM_001304288.2); short protein forms S78Y.
Identifiers: ClinVar variation 3346346 (VCV003346346.1).
Genomic context (GRCh38, chr3:39,408,705, plus strand): 5'-TTCTGCTGGCAGCTCGTGCAATTGTTGCCATTGAAAACCCTGCTGATGTCAGTGTTATAT[C>A]CTCCAGGAATACTGGCCAGGTTTGTGGAACAGTGGTTAGTTTTTATATTATAGAAATAAA-3'
Protein context (NP_002286.2, residues 68-88): IENPADVSVI[Ser78Tyr]SRNTGQRAVL

ClinVar aggregate classification (germline): Uncertain significance (0 of 4 stars; one submission).

Conditions:
RPSA-related disorder. Also called: RPSA-related condition.

Submission:

PreventionGenetics, part of Exact Sciences
Classification: Uncertain significance for RPSA-related condition. Last evaluated: 2024-07-10. Review status: no assertion criteria provided. Collection method: clinical testing. Allele origin: germline.
Comment: The RPSA c.233C>A variant is predicted to result in the amino acid substitution p.Ser78Tyr. To our knowledge, this variant has not been reported in the literature or in a large population database, indicating this variant is rare. At this time, the clinical significance of this variant is uncertain due to the absence of conclusive functional and genetic evidence.